The following is an entry in ClinVar:

ClinVar aggregate classification (germline): Uncertain significance. Review status: criteria provided, multiple submitters, no conflicts (2 of 4 stars). 2 submissions from 2 submitters: Uncertain significance (2). Last evaluated 2025-07-16.

Conditions:
Ullrich congenital muscular dystrophy 2 (UCMD2). Identifiers: Orphanet 75840, MedGen C4225314, MONDO:0014654, OMIM 616470.
Bethlem myopathy 2 (BTHLM2). Identifiers: Orphanet 536516, Orphanet 610, MedGen C4225313, MONDO:0034022, OMIM 616471.

Allele frequency attached by ClinVar (database versions not stated): gnomAD 0.00001; TOPMed below 0.00001; gnomAD exomes 0.00001.
gnomAD v4.1: 11 of 1,613,788 alleles (0.00068%); highest among the groups gnomAD compares: Non-Finnish European, 0.00085%; no homozygotes.

Submissions (2):

Labcorp Genetics (formerly Invitae), Labcorp
Classification: Uncertain significance for Bethlem myopathy 2; Ullrich congenital muscular dystrophy 2. Last evaluated: 2025-07-16. Review status: criteria provided, single submitter. Criteria: Invitae Variant Classification Sherloc (09022015). Collection method: clinical testing. Allele origin: germline.
Comment: This sequence change replaces valine, which is neutral and non-polar, with alanine, which is neutral and non-polar, at codon 2270 of the COL12A1 protein (p.Val2270Ala). This variant is not present in population databases (gnomAD no frequency). This variant has not been reported in the literature in individuals affected with COL12A1-related conditions. ClinVar contains an entry for this variant (Variation ID: 2950097). Invitae Evidence Modeling of protein sequence and biophysical properties (such as structural, functional, and spatial information, amino acid conservation, physicochemical variation, residue mobility, and thermodynamic stability) indicates that this missense variant is not expected to disrupt COL12A1 protein function with a negative predictive value of 80%. In summary, the available evidence is currently insufficient to determine the role of this variant in disease. Therefore, it has been classified as a Variant of Uncertain Significance.

GeneDx
Classification: Uncertain significance. Last evaluated: 2025-02-25. Review status: criteria provided, single submitter. Criteria: GeneDx Variant Classification Process June 2021. Collection method: clinical testing. Allele origin: germline. Affected: yes.
Comment: Not observed at significant frequency in large population cohorts (gnomAD); In silico analysis indicates that this missense variant does not alter protein structure/function; Has not been previously published as pathogenic or benign to our knowledge

NM_004370.6(COL12A1):c.6809T>C (p.Val2270Ala)

Gene: COL12A1 (collagen type XII alpha 1 chain; minus strand). Cytogenetic location: 6q13.
Variant type: single nucleotide variant.
Coding change: c.6809T>C on transcript NM_004370.6 (MANE Select); coding-DNA position 6809, T replaced by C.
Protein change: p.Val2270Ala; replaces valine 2270 with alanine.
Molecular consequence: missense variant.
Genome position (GRCh38, 1-based): chr6:75,124,010, A>G on the plus strand (T>C on the coding strand, the complement: COL12A1 is on the minus strand). VCF-style: chr6-75124010-A-G. GRCh37 (hg19) VCF-style: chr6-75833726-A-G.
Other names: c.6809T>C (NM_004370.5); c.6809T>C, p.Val2270Ala (NM_001424113.1); c.6788T>C, p.Val2263Ala (NM_001424114.1); c.6536T>C, p.Val2179Ala (NM_001424115.1); c.3317T>C, p.Val1106Ala (NM_001424116.1, NM_080645.3); short protein forms V1106A, V2179A, V2270A, V2263A.
Identifiers: ClinVar variation 2950097 (VCV002950097.4), dbSNP rs1167947527, ClinGen allele CA364728465.